The following is an entry in ClinVar:

NM_173483.4(CYP4F22):c.966C>T (p.Asp322=)

Gene: CYP4F22 (cytochrome P450 family 4 subfamily F member 22; plus strand). Cytogenetic location: 19p13.12.
Variant type: single nucleotide variant.
Coding change: c.966C>T on transcript NM_173483.4 (MANE Select); coding-DNA position 966, C replaced by T.
Protein change: p.Asp322=; no amino-acid change (aspartic acid 322 retained).
Molecular consequence: synonymous variant.
Genome position (GRCh38, 1-based): chr19:15,543,997, C>T. VCF-style: chr19-15543997-C-T. GRCh37 (hg19) VCF-style: chr19-15654808-C-T.
Other names: c.966C>T (NM_173483.3).
Identifiers: ClinVar variation 1602078 (VCV001602078.10), dbSNP rs368699374, ClinGen allele CA9269798.

ClinVar aggregate classification (germline): Likely benign. Review status: criteria provided, single submitter (1 of 4 stars). 2 submissions from 2 submitters: Likely benign (1). 1 of the submissions does not count toward it. Last evaluated 2024-04-10.

Conditions:
CYP4F22-related disorder. Also called: CYP4F22-related condition.

Allele frequency attached by ClinVar (database versions not stated): gnomAD 0.00001 and 0.00002; TOPMed 0.00001; 1000 Genomes Project 0.00020; 1000 Genomes Project 30x 0.00031.
gnomAD v4.1: 28 of 1,614,006 alleles (0.0017%); highest among the groups gnomAD compares: Middle Eastern, 0.033%; no homozygotes.

Submissions (2):

Labcorp Genetics (formerly Invitae), Labcorp
Classification: Likely benign. Last evaluated: 2024-04-10. Review status: criteria provided, single submitter. Criteria: Invitae Variant Classification Sherloc (09022015). Collection method: clinical testing. Allele origin: germline.

PreventionGenetics, part of Exact Sciences
Classification: Likely benign for CYP4F22-related condition. Last evaluated: 2019-07-23. Review status: no assertion criteria provided. Collection method: clinical testing. Allele origin: germline. Not counted in ClinVar's aggregate classification.
Comment: This variant is classified as likely benign based on ACMG/AMP sequence variant interpretation guidelines (Richards et al. 2015 PMID: 25741868, with internal and published modifications).